The following is an entry in ClinVar:

NM_006846.4(SPINK5):c.313A>G (p.Arg105Gly)

Gene: SPINK5 (serine peptidase inhibitor Kazal type 5; plus strand). Cytogenetic location: 5q32.
Variant type: single nucleotide variant.
Coding change: c.313A>G on transcript NM_006846.4 (MANE Select); coding-DNA position 313, A replaced by G.
Protein change: p.Arg105Gly; replaces arginine 105 with glycine.
Molecular consequence: missense variant.
Genome position (GRCh38, 1-based): chr5:148,086,435, A>G. VCF-style: chr5-148086435-A-G. GRCh37 (hg19) VCF-style: chr5-147465998-A-G.
Other names: c.313A>G, p.Arg105Gly (NM_001127698.2, NM_001127699.2); short protein forms R105G.
Identifiers: ClinVar variation 640440 (VCV000640440.6), dbSNP rs371334869, ClinGen allele CA3495180.

ClinVar aggregate classification (germline): Uncertain significance (1 of 4 stars; one submission).

Conditions:
Netherton syndrome (NETH). Also called: NETHERTON DISEASE; ERYTHRODERMA, ICHTHYOSIFORM, WITH HYPOTRICHOSIS AND HYPER-IgE; COMEL-NETHERTON SYNDROME. Identifiers: Orphanet 634, MedGen C5574950, MONDO:0009735, OMIM 256500.

Allele frequency attached by ClinVar (database versions not stated): gnomAD exomes below 0.00001; ExAC 0.00001; gnomAD 0.00003; TOPMed 0.00005; ESP Exome Variant Server 0.00008.
gnomAD v4.1: 11 of 1,611,532 alleles (0.00068%); highest among the groups gnomAD compares: African/African-American, 0.015%; no homozygotes.

Submission:

Labcorp Genetics (formerly Invitae), Labcorp
Classification: Uncertain significance for Ichthyosis linearis circumflexa. Last evaluated: 2022-02-18. Review status: criteria provided, single submitter. Criteria: Invitae Variant Classification Sherloc (09022015). Collection method: clinical testing. Allele origin: germline.
Comment: This sequence change replaces arginine, which is basic and polar, with glycine, which is neutral and non-polar, at codon 105 of the SPINK5 protein (p.Arg105Gly). The frequency data for this variant in the population databases is considered unreliable, as metrics indicate poor data quality at this position in the gnomAD database. This variant has not been reported in the literature in individuals affected with SPINK5-related conditions. ClinVar contains an entry for this variant (Variation ID: 640440). Algorithms developed to predict the effect of missense changes on protein structure and function are either unavailable or do not agree on the potential impact of this missense change (SIFT: "Deleterious"; PolyPhen-2: "Benign"; Align-GVGD: "Class C0"). In summary, the available evidence is currently insufficient to determine the role of this variant in disease. Therefore, it has been classified as a Variant of Uncertain Significance.